The following is an entry in ClinVar:

NM_000127.3(EXT1):c.1936dup (p.Val646fs)

Gene: EXT1 (exostosin glycosyltransferase 1; minus strand). Cytogenetic location: 8q24.11.
Variant type: Duplication.
Coding change: c.1936dup on transcript NM_000127.3 (MANE Select); coding-DNA position 1936, one base duplicated (G; older notation c.1936dupG).
Protein change: p.Val646fs; shifts the reading frame from valine 646.
Molecular consequence: frameshift variant.
Genome position (GRCh38, 1-based): chr8:117,804,841, C duplicated on the plus strand (G on the coding strand, the reverse complement: EXT1 is on the minus strand); the first of 2 consecutive C bases (chr8:117,804,841-117,804,842); duplicating either gives the same sequence. VCF-style (leftmost placement, unchanged base first): chr8-117804840-A-AC. GRCh37 (hg19) VCF-style: chr8-118817079-A-AC.
Other names: short protein forms V646fs.
Identifiers: ClinVar variation 4884267 (VCV004884267.2).

ClinVar aggregate classification (germline): Likely pathogenic (1 of 4 stars; one submission).

Conditions:
Exostoses, multiple, type 1 (EXT1). Also called: EXOSTOSES, MULTIPLE, TYPE I; Hereditary Multiple Osteochondromatosis, Type I. Identifiers: MedGen CN263289, MONDO:0007585, OMIM 133700.

Submission:

Dasa
Classification: Likely pathogenic for Exostoses, multiple, type 1. Last evaluated: 2025-04-29. Review status: criteria provided, single submitter. Criteria: DASA Assertion Criteria. Collection method: clinical testing. Allele origin: germline.
Comment: NM_000127.3(EXT1):c.1936dup (p.Val646Glyfs*8) is a frameshift variant in EXT1 predicted to alter the reading frame and introduce a premature termination codon and is predicted to result in an absent or altered protein product. Loss of function is an established disease mechanism for EXT1 (PMID: 29529714; PMID: 30334991; PMID: 28690282). Also, this variant is absent from population databases. Based on the currently available evidence, this variant is classified as likely pathogenic.

Literature cited by the submitters: PubMed 29529714; PubMed 30334991; PubMed 28690282.